The following is an entry in ClinVar:

ClinVar aggregate classification (germline): Pathogenic. Review status: criteria provided, multiple submitters, no conflicts (2 of 4 stars). 2 submissions from 2 submitters: Pathogenic (2). Last evaluated 2026-04-24.

Conditions:
Arrhythmogenic cardiomyopathy with wooly hair and keratoderma. Also called: Dilated cardiomyopathy with woolly hair and keratoderma; Arrhythmogenic cardiomyopathy with woolly hair and keratoderma; PALMOPLANTAR KERATODERMA WITH LEFT VENTRICULAR CARDIOMYOPATHY AND WOOLLY HAIR; Carvajal syndrome. Identifiers: Orphanet 65282, MedGen C1854063, MONDO:0011581, OMIM 605676.
Arrhythmogenic right ventricular dysplasia 8 (ARVD8). Also called: Arrhythmogenic Right Ventricular Dysplasia/Cardiomyopathy 8; ARRHYTHMOGENIC RIGHT VENTRICULAR DYSPLASIA, FAMILIAL, 8; ARRHYTHMOGENIC RIGHT VENTRICULAR CARDIOMYOPATHY 8. Identifiers: MedGen C1843896, MONDO:0011831, OMIM 607450.
Cardiovascular phenotype. Identifiers: MedGen CN230736.

Submissions (2):

Ambry Genetics
Classification: Pathogenic for Cardiovascular phenotype. Last evaluated: 2026-04-24. Review status: criteria provided, single submitter. Criteria: Ambry Variant Classification Scheme 2023. Collection method: clinical testing. Allele origin: germline.
Comment: The c.1188_1195delGGACTCCA pathogenic mutation, located in coding exon 10 of the DSP gene, results from a deletion of 8 nucleotides at nucleotide positions 1188 to 1195, causing a translational frameshift with a predicted alternate stop codon (p.Q396Hfs*32). This variant is considered to be rare based on population cohorts in the Genome Aggregation Database (gnomAD). This alteration is expected to result in loss of function by premature protein truncation or nonsense-mediated mRNA decay. As such, this alteration is interpreted as a disease-causing mutation.

Labcorp Genetics (formerly Invitae), Labcorp
Classification: Pathogenic for Arrhythmogenic cardiomyopathy with wooly hair and keratoderma; Arrhythmogenic right ventricular dysplasia 8. Last evaluated: 2025-09-07. Review status: criteria provided, single submitter. Criteria: Invitae Variant Classification Sherloc (09022015). Collection method: clinical testing. Allele origin: germline.
Comment: This sequence change creates a premature translational stop signal (p.Gln396Hisfs*32) in the DSP gene. It is expected to result in an absent or disrupted protein product. Loss-of-function variants in DSP are known to be pathogenic (PMID: 20716751, 24503780, 25227139). This variant is not present in population databases (gnomAD no frequency). This variant has not been reported in the literature in individuals affected with DSP-related conditions. For these reasons, this variant has been classified as Pathogenic.

Literature cited by the submitters: PubMed 20716751 (cited by Labcorp Genetics (formerly Invitae), Labcorp); PubMed 24503780 (cited by Labcorp Genetics (formerly Invitae), Labcorp); PubMed 25227139 (cited by Labcorp Genetics (formerly Invitae), Labcorp).

NM_004415.4(DSP):c.1188_1195del (p.Gln396fs)

Gene: DSP (desmoplakin; plus strand). Cytogenetic location: 6p24.3.
Variant type: Deletion.
Coding change: c.1188_1195del on transcript NM_004415.4 (MANE Select); coding-DNA positions 1188 to 1195, 8 bases deleted (GGACTCCA; older notation c.1188_1195delGGACTCCA).
Protein change: p.Gln396fs; shifts the reading frame from glutamine 396.
Molecular consequence: frameshift variant.
Genome position (GRCh38, 1-based): chr6:7,567,828-7,567,835, GGACTCCA deleted; deleting any 8 consecutive bases within chr6:7,567,823-7,567,835 gives the same sequence; the c. name uses the placement nearest the transcript's 3' end. VCF-style (leftmost placement, unchanged base first): chr6-7567822-GCTCCAGGA-G. GRCh37 (hg19) VCF-style: chr6-7568055-GCTCCAGGA-G.
Other names: c.1188_1195del, p.Gln396fs (NM_001008844.3, NM_001319034.2, NM_001406591.1); short protein forms Q396fs.
Identifiers: ClinVar variation 4786033 (VCV004786033.2).